The following is an entry in ClinVar:

ClinVar aggregate classification (germline): Uncertain significance (1 of 4 stars; one submission).

Conditions:
Neuropathy, hereditary sensory and autonomic, type 2A (HSAN2A). Also called: ACROOSTEOLYSIS, GIACCAI TYPE; ACROOSTEOLYSIS, NEUROGENIC; MORVAN DISEASE; NEUROPATHY, CONGENITAL SENSORY; NEUROPATHY, HEREDITARY SENSORY RADICULAR, AUTOSOMAL RECESSIVE; NEUROPATHY, HEREDITARY SENSORY, TYPE IIA. Identifiers: Orphanet 970, MedGen C2752089, MONDO:0024309, OMIM 201300.
Pseudohypoaldosteronism type 2C (PHA2C). Also called: Pseudohypoaldosteronism Type IIC. Identifiers: Orphanet 757, Orphanet 88940, MedGen C1840391, MONDO:0013778, OMIM 614492.

Submission:

Labcorp Genetics (formerly Invitae), Labcorp
Classification: Uncertain significance for Neuropathy, hereditary sensory and autonomic, type 2A; Pseudohypoaldosteronism type 2C. Last evaluated: 2022-12-03. Review status: criteria provided, single submitter. Criteria: Invitae Variant Classification Sherloc (09022015). Collection method: clinical testing. Allele origin: germline.
Comment: This sequence change replaces proline, which is neutral and non-polar, with histidine, which is basic and polar, at codon 1854 of the WNK1 protein (p.Pro1854His). In summary, the available evidence is currently insufficient to determine the role of this variant in disease. Therefore, it has been classified as a Variant of Uncertain Significance. Advanced modeling of protein sequence and biophysical properties (such as structural, functional, and spatial information, amino acid conservation, physicochemical variation, residue mobility, and thermodynamic stability) performed at Invitae indicates that this missense variant is not expected to disrupt WNK1 protein function. This variant has not been reported in the literature in individuals affected with WNK1-related conditions. This variant is not present in population databases (gnomAD no frequency).

NM_018979.4(WNK1):c.4805C>A (p.Pro1602His)

Gene: WNK1 (WNK lysine deficient protein kinase 1; plus strand). Cytogenetic location: 12p13.33.
Variant type: single nucleotide variant.
Coding change: c.4805C>A on transcript NM_018979.4 (MANE Select); coding-DNA position 4805, C replaced by A.
Protein change: p.Pro1602His; replaces proline 1602 with histidine.
Molecular consequence: missense variant.
Genome position (GRCh38, 1-based): chr12:885,609, C>A. VCF-style: chr12-885609-C-A. GRCh37 (hg19) VCF-style: chr12-994775-C-A.
Other names: c.5585C>A, p.Pro1862His (NM_001184985.2); c.4064C>A, p.Pro1355His (NM_014823.3); c.5561C>A, p.Pro1854His (NM_213655.5); short protein forms P1854H, P1862H, P1355H, P1602H.
Identifiers: ClinVar variation 2935127 (VCV002935127.3), dbSNP rs1437689611, ClinGen allele CA383331964.
Genomic context (GRCh38, chr12:885,609, plus strand): 5'-TTCCCCAAGCAGCAGGACCTACTTCTACACCTTTATTACCCCAAGTACCTAGTATCCCAC[C>A]CTTGGTACAGCCTGTTGCCAATGTGCCTGCTGTACAGCAGACACTAATTCATAGTCAGCC-3'
Protein context (NP_061852.3, residues 1592-1612): PLLPQVPSIP[Pro1602His]LVQPVANVPA